The following is an entry in ClinVar:

NM_001849.4(COL6A2):c.83C>G (p.Pro28Arg)

Gene: COL6A2 (collagen type VI alpha 2 chain; plus strand). Cytogenetic location: 21q22.3.
Variant type: single nucleotide variant.
Coding change: c.83C>G on transcript NM_001849.4 (MANE Select); coding-DNA position 83, C replaced by G.
Protein change: p.Pro28Arg; replaces proline 28 with arginine.
Molecular consequence: missense variant.
Genome position (GRCh38, 1-based): chr21:46,111,559, C>G. VCF-style: chr21-46111559-C-G. GRCh37 (hg19) VCF-style: chr21-47531473-C-G.
Other names: c.83C>G, p.Pro28Arg (NM_058174.3, NM_058175.3); short protein forms P28R.
Identifiers: ClinVar variation 662829 (VCV000662829.11), dbSNP rs778546141, ClinGen allele CA410519499.

ClinVar aggregate classification (germline): Uncertain significance (1 of 4 stars; one submission).

Conditions:
Bethlem myopathy 1A. Also called: Bethlem Muscular Dystrophy; Bethlem myopathy 1; MYOPATHY, BENIGN CONGENITAL, WITH CONTRACTURES. Identifiers: Orphanet 610, MedGen CN029274, MONDO:0024530, OMIM 158810.

gnomAD v4.1: 1 of 1,612,760 alleles (0.000062%); highest among the groups gnomAD compares: Non-Finnish European, 0.000085%; no homozygotes.

Submission:

Labcorp Genetics (formerly Invitae), Labcorp
Classification: Uncertain significance for Bethlem myopathy 1A. Last evaluated: 2019-01-29. Review status: criteria provided, single submitter. Criteria: Invitae Variant Classification Sherloc (09022015). Collection method: clinical testing. Allele origin: germline.
Comment: In summary, the available evidence is currently insufficient to determine the role of this variant in disease. Therefore, it has been classified as a Variant of Uncertain Significance. Algorithms developed to predict the effect of missense changes on protein structure and function (SIFT, PolyPhen-2, Align-GVGD) all suggest that this variant is likely to be tolerated, but these predictions have not been confirmed by published functional studies and their clinical significance is uncertain. This variant has not been reported in the literature in individuals with COL6A2-related disease. This variant is not present in population databases (ExAC no frequency). This sequence change replaces proline with arginine at codon 28 of the COL6A2 protein (p.Pro28Arg). The proline residue is weakly conserved and there is a moderate physicochemical difference between proline and arginine.